The following is an entry in ClinVar:

NM_153026.3(PRICKLE1):c.1568G>A (p.Cys523Tyr)

Gene: PRICKLE1 (prickle planar cell polarity protein 1; minus strand). Cytogenetic location: 12q12.
Variant type: single nucleotide variant.
Coding change: c.1568G>A on transcript NM_153026.3 (MANE Select); coding-DNA position 1568, G replaced by A.
Protein change: p.Cys523Tyr; replaces cysteine 523 with tyrosine.
Molecular consequence: missense variant.
Genome position (GRCh38, 1-based): chr12:42,464,466, C>T on the plus strand (G>A on the coding strand, the complement: PRICKLE1 is on the minus strand). VCF-style: chr12-42464466-C-T. GRCh37 (hg19) VCF-style: chr12-42858268-C-T.
Other names: c.1568G>A, p.Cys523Tyr (NM_001144881.2, NM_001144882.2, NM_001144883.2); short protein forms C523Y.
Identifiers: ClinVar variation 934094 (VCV000934094.11), dbSNP rs1265886356, ClinGen allele CA384441398.

ClinVar aggregate classification (germline): Uncertain significance. Review status: criteria provided, multiple submitters, no conflicts (2 of 4 stars). 3 submissions from 3 submitters: Uncertain significance (3). Last evaluated 2025-06-06.

Conditions:
Epilepsy, progressive myoclonic, 1B. Also called: PME. Identifiers: Orphanet 308, MedGen C2676254, MONDO:0012904, OMIM 612437.

Allele frequency attached by ClinVar (database versions not stated): gnomAD exomes below 0.00001 and 0.00001; TOPMed 0.00006; gnomAD 0.00001.
gnomAD v4.1: 14 of 1,613,954 alleles (0.00087%); highest among the groups gnomAD compares: Admixed American, 0.005%; no homozygotes.

Submissions (3):

Ambry Genetics
Classification: Uncertain significance. Last evaluated: 2025-06-06. Review status: criteria provided, single submitter. Criteria: Ambry Variant Classification Scheme 2023. Collection method: clinical testing. Allele origin: germline.

Labcorp Genetics (formerly Invitae), Labcorp
Classification: Uncertain significance for Epilepsy, progressive myoclonic, 1B. Last evaluated: 2023-12-18. Review status: criteria provided, single submitter. Criteria: Invitae Variant Classification Sherloc (09022015). Collection method: clinical testing. Allele origin: germline.
Comment: This sequence change replaces cysteine, which is neutral and slightly polar, with tyrosine, which is neutral and polar, at codon 523 of the PRICKLE1 protein (p.Cys523Tyr). This variant is present in population databases (no rsID available, gnomAD 0.003%). This variant has not been reported in the literature in individuals affected with PRICKLE1-related conditions. ClinVar contains an entry for this variant (Variation ID: 934094). Advanced modeling of protein sequence and biophysical properties (such as structural, functional, and spatial information, amino acid conservation, physicochemical variation, residue mobility, and thermodynamic stability) performed at Invitae indicates that this missense variant is not expected to disrupt PRICKLE1 protein function with a negative predictive value of 80%. In summary, the available evidence is currently insufficient to determine the role of this variant in disease. Therefore, it has been classified as a Variant of Uncertain Significance.

New York Genome Center
Classification: Uncertain significance for Epilepsy, progressive myoclonic, 1B. Last evaluated: 2021-01-29. Review status: criteria provided, single submitter. Criteria: NYGC Assertion Criteria 2020. Collection method: clinical testing. Allele origin: germline. Observed: 1 heterozygote. Study: CSER-NYCKidSeq.
Comment: The c.1568G>A (p.Cys523Tyr) variant identified in the PRICKLE1 gene substitutes a well conserved Cysteine for Tyrosine at amino acid 523/832 (exon 7/8). This variant is found with low frequency in gnomAD(v3.0) (2 heterozygotes, 0 homozygotes; allele frequency: 1.32e-5) suggesting it is not a common benign variant in the populations represented in that database. In silico algorithms predict this variant to be Tolerated (SIFT; score:0.725) and Benign (REVEL; score: 0.312) to the function of the canonical transcript. This variant is reported in ClinVar as a Variant of Uncertain Significance (VarID:934094) and to our current knowledge has not been reported in any affected individuals in the literature. The p.Cys523 residue is not within a mapped domain of PRICKLE1 (UniProtKB:Q96MT3). Given the lack of compelling evidence for its pathogenicity, the c.1568G>A (p.Cys523Tyr) variant identified in the PRICKLE1 gene is reported as a Variant of Uncertain Significance